The following is an entry in ClinVar:

ClinVar aggregate classification (germline): Likely pathogenic (1 of 4 stars; one submission).

Conditions:
Hereditary cancer-predisposing syndrome. Also called: Tumor predisposition; Hereditary Cancer Syndrome; Hereditary neoplastic syndrome; Neoplastic Syndromes, Hereditary. Identifiers: Orphanet 140162, MedGen C0027672, MeSH D009386, MONDO:0015356.

Submission:

Ambry Genetics
Classification: Likely pathogenic for Hereditary cancer-predisposing syndrome. Last evaluated: 2025-08-15. Review status: criteria provided, single submitter. Criteria: Ambry Variant Classification Scheme 2023. Collection method: clinical testing. Allele origin: germline.
Comment: The p.G400V variant (also known as c.1199G>T), located in coding exon 13 of the MUTYH gene, results from a G to T substitution at nucleotide position 1199. The glycine at codon 400 is replaced by valine, an amino acid with dissimilar properties. In a massively parallel cell-based functional assay testing 7,8-dihydro-8-oxoguanine:adenine (8OG:A) repair activity, a byproduct of oxidative damage, this variant was reported to be non-functional (Hemker SL et al. Am J Hum Genet. Published online July 29, 2025. DOI: 10.1016/j.ajhg.2025.07.005). This amino acid position is highly conserved in available vertebrate species. In addition, this alteration is predicted to be deleterious by in silico analysis. This variant is considered to be rare based on population cohorts in the Genome Aggregation Database (gnomAD). Based on the majority of available evidence to date, this variant is likely to be pathogenic.

Literature cited by the submitters: PubMed 40738107.

NM_001048174.2(MUTYH):c.1115G>T (p.Gly372Val)

Gene: MUTYH (mutY DNA glycosylase; minus strand). Cytogenetic location: 1p34.1.
Variant type: single nucleotide variant.
Coding change: c.1115G>T on transcript NM_001048174.2 (MANE Select); coding-DNA position 1115, G replaced by T.
Protein change: p.Gly372Val; replaces glycine 372 with valine.
Molecular consequence: missense variant. On other transcripts: non-coding transcript variant (7).
Genome position (GRCh38, 1-based): chr1:45,331,544, C>A on the plus strand (G>T on the coding strand, the complement: MUTYH is on the minus strand). VCF-style: chr1-45331544-C-A. GRCh37 (hg19) VCF-style: chr1-45797216-C-A.
Other names: c.1160G>T, p.Gly387Val (NM_001293190.2); c.1148G>T, p.Gly383Val (NM_001293191.2, NM_001407069.1, NM_001407077.1); c.839G>T, p.Gly280Val (NM_001293192.2, NM_001293196.2, NM_001407091.1); c.1115G>T, p.Gly372Val (NM_001293195.2, NM_001407070.1, NM_001407088.1 and 6 more transcripts); c.770G>T, p.Gly257Val (NM_001350650.2, NM_001350651.2, NM_001407082.1); c.1157G>T, p.Gly386Val (NM_001407083.1, NM_001407085.1); c.1118G>T, p.Gly373Val (NM_001407086.1, NM_001048172.2, NM_001407071.1 and 1 more transcripts); c.1136G>T, p.Gly379Val (NM_001407087.1); and 5 more; short protein forms G358V, G387V, G372V, G379V, G386V, G257V, G397V, G280V.
Identifiers: ClinVar variation 3297053 (VCV003297053.2).
Genomic context (GRCh38, chr1:45,331,544, plus strand): 5'-AGGGCCTTGCGCTGAAGCTGCTCTGAGGGCTCCCAGGTCACGGACGGGAACTCCCACAGT[C>A]CTGCCAGCAGACCTGAGAGGGAGGGCAGCCAGGCAGGGGTCAGGCCTCAGCTGCCGATTC-3'
Protein context (NP_001041639.1, residues 362-382): VQRPNSGLLA[Gly372Val]LWEFPSVTWE